The following is an entry in ClinVar:

ClinVar aggregate classification (germline): Benign. Review status: criteria provided, multiple submitters, no conflicts (2 of 4 stars). 6 submissions from 6 submitters: Benign (6). Last evaluated 2026-02-02.

Conditions:
FLNB-Related Spectrum Disorders.
Connective tissue disorder. Also called: Connective tissue disease. Identifiers: MedGen C0009782, MONDO:0003900.

Allele frequency attached by ClinVar (database versions not stated): 1000 Genomes Project 0.02057; 1000 Genomes Project 30x 0.02171; gnomAD 0.02188 and 0.02351; ESP Exome Variant Server 0.02430; TOPMed 0.02492.
gnomAD v4.1: 6,673 of 1,603,820 alleles (0.42%); highest among the groups gnomAD compares: African/African-American, 7.8%; 236 homozygotes.

Submissions (6):

Labcorp Genetics (formerly Invitae), Labcorp
Classification: Benign. Last evaluated: 2026-02-02. Review status: criteria provided, single submitter. Criteria: Invitae Variant Classification Sherloc (09022015). Collection method: clinical testing. Allele origin: germline.

ARUP Laboratories, Molecular Genetics and Genomics, ARUP Laboratories
Classification: Benign. Last evaluated: 2024-08-13. Review status: criteria provided, single submitter. Criteria: ARUP Molecular Germline Variant Investigation Process 2024. Collection method: clinical testing. Allele origin: germline.

Genome Diagnostics Laboratory, The Hospital for Sick Children
Classification: Benign for Connective tissue disorder. Last evaluated: 2022-02-10. Review status: criteria provided, single submitter. Criteria: ACMG Guidelines, 2015. Collection method: clinical testing. Allele origin: germline.

Illumina Laboratory Services, Illumina
Classification: Benign for FLNB-Related Spectrum Disorders. Last evaluated: 2018-01-13. Review status: criteria provided, single submitter. Criteria: ICSL Variant Classification Criteria 13 December 2019. Collection method: clinical testing. Allele origin: germline.
Comment: This variant was observed in the ICSL laboratory as part of a predisposition screen in an ostensibly healthy population. It had not been previously curated by ICSL or reported in the Human Gene Mutation Database (HGMD: prior to June 1st, 2018), and was therefore a candidate for classification through an automated scoring system. Utilizing variant allele frequency, disease prevalence and penetrance estimates, and inheritance mode, an automated score was calculated to assess if this variant is too frequent to cause the disease. Based on the score and internal cut-off values, a variant classified as benign is not then subjected to further curation. The score for this variant resulted in a classification of benign for this disease.

GeneDx
Classification: Benign. Last evaluated: 2016-10-10. Review status: criteria provided, single submitter. Criteria: GeneDx Variant Classification (06012015). Collection method: clinical testing. Allele origin: germline. Affected: yes.
Comment: This variant is considered likely benign or benign based on one or more of the following criteria: it is a conservative change, it occurs at a poorly conserved position in the protein, it is predicted to be benign by multiple in silico algorithms, and/or has population frequency not consistent with disease.

Breakthrough Genomics
Classification: Benign. Review status: criteria provided, single submitter. Criteria: ACMG Guidelines, 2015. Collection method: not provided. Allele origin: germline. Inheritance: Autosomal recessive inheritance. Affected: yes.

NM_001457.4(FLNB):c.3535G>A (p.Glu1179Lys)

Gene: FLNB (filamin B; plus strand). Cytogenetic location: 3p14.3.
Variant type: single nucleotide variant.
Coding change: c.3535G>A on transcript NM_001457.4 (MANE Select); coding-DNA position 3535, G replaced by A.
Protein change: p.Glu1179Lys; replaces glutamic acid 1179 with lysine.
Molecular consequence: missense variant.
Genome position (GRCh38, 1-based): chr3:58,123,501, G>A. VCF-style: chr3-58123501-G-A. GRCh37 (hg19) VCF-style: chr3-58109228-G-A.
Other names: c.3535G>A, p.Glu1179Lys (NM_001164317.2, NM_001164318.2, NM_001164319.2); short protein forms E1179K.
Identifiers: ClinVar variation 346333 (VCV000346333.30), dbSNP rs17058845, ClinGen allele CA2468439.
Genomic context (GRCh38, chr3:58,123,501, plus strand): 5'-TCGGAAGCGGGACCGGGGGCCCTGGGCCTGGAAGCTGTCTCGGACTCGGGAACAAAAGCC[G>A]AAGTCAGTATTCAGAACAACAAAGATGGCACCTACGCGGTGACCTACGTGCCCCTGACGG-3'
Protein context (NP_001448.2, residues 1169-1189): EAVSDSGTKA[Glu1179Lys]VSIQNNKDGT